The following is an entry in ClinVar:

NM_001942.4(DSG1):c.2939T>G (p.Val980Gly)

Genes: DSG1 (desmoglein 1; plus strand), DSG1-AS1 (DSG1 antisense RNA 1; minus strand). Cytogenetic location: 18q12.1.
Variant type: single nucleotide variant.
Coding change: c.2939T>G on transcript NM_001942.4 (MANE Select); coding-DNA position 2939, T replaced by G.
Protein change: p.Val980Gly; replaces valine 980 with glycine.
Molecular consequence: missense variant.
Genome position (GRCh38, 1-based): chr18:31,355,135, T>G. VCF-style: chr18-31355135-T-G. GRCh37 (hg19) VCF-style: chr18-28935098-T-G.
Other names: short protein forms V980G.
Identifiers: ClinVar variation 3688625 (VCV003688625.2).

ClinVar aggregate classification (germline): Uncertain significance (1 of 4 stars; one submission).

Submission:

Labcorp Genetics (formerly Invitae), Labcorp
Classification: Uncertain significance. Last evaluated: 2024-03-27. Review status: criteria provided, single submitter. Criteria: Invitae Variant Classification Sherloc (09022015). Collection method: clinical testing. Allele origin: germline.
Comment: This sequence change replaces valine, which is neutral and non-polar, with glycine, which is neutral and non-polar, at codon 980 of the DSG1 protein (p.Val980Gly). This variant is not present in population databases (gnomAD no frequency). This variant has not been reported in the literature in individuals affected with DSG1-related conditions. Algorithms developed to predict the effect of missense changes on protein structure and function output the following: SIFT: "Not Available"; PolyPhen-2: "Benign"; Align-GVGD: "Not Available". The glycine amino acid residue is found in multiple mammalian species, which suggests that this missense change does not adversely affect protein function. In summary, the available evidence is currently insufficient to determine the role of this variant in disease. Therefore, it has been classified as a Variant of Uncertain Significance.